The following is an entry in ClinVar:

NM_005591.4(MRE11):c.1712G>T (p.Gly571Val)

Gene: MRE11 (MRE11 double strand break repair nuclease; minus strand). Cytogenetic location: 11q21.
Variant type: single nucleotide variant.
Coding change: c.1712G>T on transcript NM_005591.4 (MANE Select); coding-DNA position 1712, G replaced by T.
Protein change: p.Gly571Val; replaces glycine 571 with valine.
Molecular consequence: missense variant.
Genome position (GRCh38, 1-based): chr11:94,447,290, C>A on the plus strand (G>T on the coding strand, the complement: MRE11 is on the minus strand). VCF-style: chr11-94447290-C-A. GRCh37 (hg19) VCF-style: chr11-94180456-C-A.
Other names: c.1712G>T, p.Gly571Val (NM_001330347.2, NM_005590.4); short protein forms G571V.
Identifiers: ClinVar variation 1800081 (VCV001800081.2), dbSNP rs1353073328, ClinGen allele CA382368271.

ClinVar aggregate classification (germline): Uncertain significance (1 of 4 stars; one submission).

Conditions:
Hereditary cancer-predisposing syndrome. Also called: Neoplastic Syndromes, Hereditary; Tumor predisposition; Hereditary Cancer Syndrome; Hereditary neoplastic syndrome. Identifiers: Orphanet 140162, MedGen C0027672, MeSH D009386, MONDO:0015356.

Allele frequency attached by ClinVar (database versions not stated): gnomAD exomes below 0.00001; TOPMed below 0.00001.
gnomAD v4.1: 1 of 1,614,074 alleles (0.000062%); highest among the groups gnomAD compares: African/African-American, 0.0013%; no homozygotes.

Submission:

Ambry Genetics
Classification: Uncertain significance for Hereditary cancer-predisposing syndrome. Last evaluated: 2022-04-06. Review status: criteria provided, single submitter. Criteria: Ambry Variant Classification Scheme 2023. Collection method: clinical testing. Allele origin: germline.
Comment: The p.G571V variant (also known as c.1712G>T), located in coding exon 14 of the MRE11A gene, results from a G to T substitution at nucleotide position 1712. The glycine at codon 571 is replaced by valine, an amino acid with dissimilar properties. This amino acid position is conserved. In addition, the in silico prediction for this alteration is inconclusive. Since supporting evidence is limited at this time, the clinical significance of this alteration remains unclear.